The following is an entry in ClinVar:

NM_003235.5(TG):c.3871C>T (p.Gln1291Ter)

Gene: TG (thyroglobulin; plus strand). Cytogenetic location: 8q24.22.
Variant type: single nucleotide variant.
Coding change: c.3871C>T on transcript NM_003235.5 (MANE Select); coding-DNA position 3871, C replaced by T.
Protein change: p.Gln1291Ter; replaces glutamine 1291 with a stop codon.
Molecular consequence: nonsense.
Genome position (GRCh38, 1-based): chr8:132,908,209, C>T. VCF-style: chr8-132908209-C-T. GRCh37 (hg19) VCF-style: chr8-133920454-C-T.
Other names: c.3871C>T (NM_003235.4); short protein forms Q1291*.
Identifiers: ClinVar variation 3595263 (VCV003595263.2).

ClinVar aggregate classification (germline): Pathogenic/Likely pathogenic. Review status: criteria provided, multiple submitters, no conflicts (2 of 4 stars). 2 submissions from 2 submitters: Pathogenic (1); Likely pathogenic (1). Last evaluated 2024-11-24.

Conditions:
Iodotyrosyl coupling defect (TDH3). Also called: HYPOTHYROIDISM, CONGENITAL, DUE TO DYSHORMONOGENESIS, 3; THYROID HORMONOGENESIS, GENETIC DEFECT IN, 3. Identifiers: Orphanet 95716, MedGen C0342194, MONDO:0010135, OMIM 274700.
Autoimmune thyroid disease, susceptibility to, 3. Identifiers: MedGen C1842444, MONDO:0011982, OMIM 608175.

gnomAD v4.1: 2 of 1,614,048 alleles (0.00012%); highest among the groups gnomAD compares: African/African-American, 0.0013%; no homozygotes.

Submissions (2):

GeneDx
Classification: Likely pathogenic. Last evaluated: 2024-11-24. Review status: criteria provided, single submitter. Criteria: GeneDx Variant Classification Process June 2021. Collection method: clinical testing. Allele origin: germline. Affected: yes.
Comment: Nonsense variant predicted to result in protein truncation or nonsense mediated decay in a gene for which loss of function is a known mechanism of disease; Not observed at significant frequency in large population cohorts (gnomAD); Identified among a large cohort of individuals undergoing whole exome sequencing; clinical detail was not provided (PMID: 35177841); This variant is associated with the following publications: (PMID: 34200080, 35177841)

Fulgent Genetics
Classification: Pathogenic for Iodotyrosyl coupling defect; Autoimmune thyroid disease, susceptibility to, 3. Last evaluated: 2024-06-22. Review status: criteria provided, single submitter. Criteria: ACMG Guidelines, 2015. Collection method: clinical testing. Allele origin: germline.